The following is an entry in ClinVar:

ClinVar aggregate classification (germline): Conflicting classifications of pathogenicity. Review status: criteria provided, conflicting classifications (1 of 4 stars). 5 submissions from 5 submitters: Uncertain significance (2); Benign (1); Likely benign (1). 1 of the submissions does not count toward it. Last evaluated 2025-06-04.

Conditions:
Collagen 6-related myopathy. Identifiers: MedGen CN117976, MONDO:0100225.
Bethlem myopathy 1A. Also called: Bethlem myopathy 1; MYOPATHY, BENIGN CONGENITAL, WITH CONTRACTURES; Bethlem Muscular Dystrophy. Identifiers: Orphanet 610, MedGen CN029274, MONDO:0024530, OMIM 158810.

Allele frequency attached by ClinVar (database versions not stated): gnomAD below 0.00001; TOPMed 0.00001; gnomAD exomes 0.00008 and 0.00020; 1000 Genomes Project 30x 0.00016; ExAC 0.00018; 1000 Genomes Project 0.00020.
gnomAD v4.1: 125 of 1,614,158 alleles (0.0077%); highest among the groups gnomAD compares: South Asian, 0.13%; 1 homozygote.

Submissions (5):

Labcorp Genetics (formerly Invitae), Labcorp
Classification: Likely benign for Bethlem myopathy 1A. Last evaluated: 2025-06-04. Review status: criteria provided, single submitter. Criteria: Invitae Variant Classification Sherloc (09022015). Collection method: clinical testing. Allele origin: germline.

Revvity Omics, Revvity
Classification: Uncertain significance. Last evaluated: 2024-06-11. Review status: criteria provided, single submitter. Criteria: ACMG Guidelines, 2015. Collection method: clinical testing. Allele origin: germline.

Illumina Laboratory Services, Illumina
Classification: Benign for Collagen VI-related myopathy. Last evaluated: 2018-01-13. Review status: criteria provided, single submitter. Criteria: ICSL Variant Classification Criteria 13 December 2019. Collection method: clinical testing. Allele origin: germline.
Comment: This variant was observed in the ICSL laboratory as part of a predisposition screen in an ostensibly healthy population. It had not been previously curated by ICSL or reported in the Human Gene Mutation Database (HGMD: prior to June 1st, 2018), and was therefore a candidate for classification through an automated scoring system. Utilizing variant allele frequency, disease prevalence and penetrance estimates, and inheritance mode, an automated score was calculated to assess if this variant is too frequent to cause the disease. Based on the score and internal cut-off values, a variant classified as benign is not then subjected to further curation. The score for this variant resulted in a classification of benign for this disease.

GeneDx
Classification: Uncertain significance. Last evaluated: 2016-08-24. Review status: criteria provided, single submitter. Criteria: GeneDx Variant Classification (06012015). Collection method: clinical testing. Allele origin: germline. Affected: yes.
Comment: The V1282M variant has not been published as a pathogenic variant, nor has it been reported as a benign polymorphism to our knowledge. It was not observed in approximately 6,500 individuals of European and African American ancestry in the NHLBI Exome Sequencing Project or with any significant frequency in the 1000 Genomes Project, indicating it is not a common benign variant in these populations. The V1282M variant is a conservative amino acid substitution, which is not likely to impact secondary protein structure as these residues share similar properties. This substitution occurs at a position where amino acids with similar properties to Valine are tolerated across species. Additionally, missense variants in nearby residues have not been reported in the Human Gene Mutation Database in association with COL6A3-related disorders (Stenson et al., 2014). However, in silico analysis is inconsistent in its predictions as to whether or not the variant is damaging to the protein structure/function. Therefore, based on the currently available information, it is unclear whether this variant is a pathogenic variant or a rare benign variant.

Foundation for Research in Genetics and Endocrinology, FRIGE's Institute of Human Genetics
Classification: Likely pathogenic for Bethlem myopathy 1A. Last evaluated: 2015-05-11. Review status: no assertion criteria provided. Collection method: clinical testing. Allele origin: unknown. Inheritance: Autosomal dominant inheritance. Affected: yes. Observed: 1 variant allele, 1 heterozygote. Not counted in ClinVar's aggregate classification.
Comment: The observed variant is not reported in 1000 genome database and likely to be pathogenic by online software like Mutation taster.

NM_004369.4(COL6A3):c.3844G>A (p.Val1282Met)

Gene: COL6A3 (collagen type VI alpha 3 chain; minus strand). Cytogenetic location: 2q37.3.
Variant type: single nucleotide variant.
Coding change: c.3844G>A on transcript NM_004369.4 (MANE Select); coding-DNA position 3844, G replaced by A.
Protein change: p.Val1282Met; replaces valine 1282 with methionine.
Molecular consequence: missense variant.
Genome position (GRCh38, 1-based): chr2:237,372,173, C>T on the plus strand (G>A on the coding strand, the complement: COL6A3 is on the minus strand). VCF-style: chr2-237372173-C-T. GRCh37 (hg19) VCF-style: chr2-238280816-C-T.
Other names: c.2623G>A, p.Val875Met (NM_057164.5); c.3226G>A, p.Val1076Met (NM_057165.5, NM_057167.4); c.2023G>A, p.Val675Met (NM_057166.5); short protein forms V1282M, V875M, V1076M, V675M.
Identifiers: ClinVar variation 266039 (VCV000266039.12), dbSNP rs535661345, ClinGen allele CA2189061.